The following is an entry in ClinVar:

ClinVar aggregate classification (germline): Uncertain significance (1 of 4 stars; one submission).

Conditions:
Malignant hyperthermia, susceptibility to, 5 (MHS5). Also called: CACNA1S-Related Malignant Hyperthermia Susceptibility. Identifiers: Orphanet 423, MedGen C1866077, MONDO:0011163, OMIM 601887.

Submission:

All of Us Research Program, National Institutes of Health
Classification: Uncertain significance for Malignant hyperthermia, susceptibility to, 5. Last evaluated: 2023-04-03. Review status: criteria provided, single submitter. Criteria: ACMG Guidelines, 2015. Collection method: clinical testing. Allele origin: germline. Inheritance: Autosomal dominant inheritance. Observed: 1 variant allele, 1 heterozygote.
Comment: This missense variant replaces isoleucine with asparagine at codon 1510 of the CACNA1S protein. Computational prediction suggests that this variant may not impact protein structure and function (internally defined REVEL score threshold <= 0.5, PMID: 27666373). To our knowledge, functional studies have not been reported for this variant. This variant has not been reported in individuals affected with CACNA1S-related disorders in the literature. This variant has not been identified in the general population by the Genome Aggregation Database (gnomAD). The available evidence is insufficient to determine the role of this variant in disease conclusively. Therefore, this variant is classified as a Variant of Uncertain Significance.

This study involves interpretation of variants in research participants for the purpose of population health screening. Participant phenotype was not available at the time of variant classification. Additional details can be found in publication PMID: 35346344, PMCID: PMC8962531

NM_000069.3(CACNA1S):c.4529T>A (p.Ile1510Asn)

Gene: CACNA1S (calcium voltage-gated channel subunit alpha1 S; minus strand). Cytogenetic location: 1q32.1.
Variant type: single nucleotide variant.
Coding change: c.4529T>A on transcript NM_000069.3 (MANE Select); coding-DNA position 4529, T replaced by A.
Protein change: p.Ile1510Asn; replaces isoleucine 1510 with asparagine.
Molecular consequence: missense variant.
Genome position (GRCh38, 1-based): chr1:201,047,539, A>T on the plus strand (T>A on the coding strand, the complement: CACNA1S is on the minus strand). VCF-style: chr1-201047539-A-T. GRCh37 (hg19) VCF-style: chr1-201016667-A-T.
Other names: short protein forms I1510N.
Identifiers: ClinVar variation 3070242 (VCV003070242.1), dbSNP rs2464431129, ClinGen allele CA344142934.
Genomic context (GRCh38, chr1:201,047,539, plus strand): 5'-ATTCCTTGGCTGCTTCTGGACTCTGGTCCCCCAAAGTAGCACCTACCTCCTATTGGAGGG[A>T]TGACCTGGTCCAAGAGCTTCATGCTGGTTCTCTTCCAGATCTTCTTGATGATGGCCCTCA-3'
Protein context (NP_000060.2, residues 1500-1520): RTSMKLLDQV[Ile1510Asn]PPIGDDEVTV